The following is an entry in ClinVar:

NM_002691.4(POLD1):c.666G>A (p.Pro222=)

Gene: POLD1 (DNA polymerase delta 1, catalytic subunit; plus strand). Cytogenetic location: 19q13.33.
Variant type: single nucleotide variant.
Coding change: c.666G>A on transcript NM_002691.4 (MANE Select); coding-DNA position 666, G replaced by A.
Protein change: p.Pro222=; no amino-acid change (proline 222 retained).
Molecular consequence: synonymous variant. On other transcripts: non-coding transcript variant (1).
Genome position (GRCh38, 1-based): chr19:50,402,281, G>A. VCF-style: chr19-50402281-G-A. GRCh37 (hg19) VCF-style: chr19-50905538-G-A.
Other names: c.666G>A, p.Pro222= (NM_001256849.1, NM_001308632.1).
Identifiers: ClinVar variation 381937 (VCV000381937.34), dbSNP rs746678748, ClinGen allele CA9595859.

ClinVar aggregate classification (germline): Benign/Likely benign. Review status: criteria provided, multiple submitters, no conflicts (2 of 4 stars). 11 submissions from 11 submitters: Benign (2); Likely benign (8). 1 of the submissions does not count toward it. Last evaluated 2026-01-29.

Conditions:
Hereditary cancer-predisposing syndrome. Also called: Neoplastic Syndromes, Hereditary; Hereditary neoplastic syndrome; Tumor predisposition; Hereditary Cancer Syndrome. Identifiers: Orphanet 140162, MedGen C0027672, MeSH D009386, MONDO:0015356.
POLD1-related polyposis and colorectal cancer syndrome (CRCS10). Also called: Colorectal cancer 10; Colorectal cancer, susceptibility to, 10; COLORECTAL CANCER, SUSCEPTIBILITY TO, ON CHROMOSOME 19q. Identifiers: Orphanet 220460, MedGen C2675481, MONDO:0012953, OMIM 612591.
POLD1-related disorder. Also called: POLD1-related disorders; POLD1-related condition.

Allele frequency attached by ClinVar (database versions not stated): gnomAD 0.00010; ExAC 0.00012; TOPMed 0.00013.
gnomAD v4.1: 183 of 1,608,318 alleles (0.011%); highest among the groups gnomAD compares: Middle Eastern, 0.082%; no homozygotes.

Submissions (11):

Labcorp Genetics (formerly Invitae), Labcorp
Classification: Likely benign for POLD1-related polyposis and colorectal cancer syndrome. Last evaluated: 2026-01-29. Review status: criteria provided, single submitter. Criteria: Invitae Variant Classification Sherloc (09022015). Collection method: clinical testing. Allele origin: germline.

CeGaT Center for Human Genetics Tuebingen
Classification: Likely benign. Last evaluated: 2025-09-01. Review status: criteria provided, single submitter. Criteria: CeGaT Center For Human Genetics Tuebingen Variant Classification Criteria Version 2. Collection method: clinical testing. Allele origin: germline. Affected: yes. Observed: 1 variant allele.
Comment: POLD1: BP4, BP7

Center for Genomic Medicine, Rigshospitalet, Copenhagen University Hospital
Classification: Likely benign. Last evaluated: 2025-03-04. Review status: criteria provided, single submitter. Criteria: ACMG Guidelines, 2015. Collection method: clinical testing. Allele origin: germline.

Blueprint Genetics
Classification: Likely benign. Last evaluated: 2024-11-21. Review status: criteria provided, single submitter. Criteria: ACMG Guidelines, 2015. Collection method: clinical testing. Allele origin: germline.

Women's Health and Genetics/Laboratory Corporation of America, LabCorp
Classification: Benign. Last evaluated: 2023-08-03. Review status: criteria provided, single submitter. Criteria: LabCorp Variant Classification Summary - May 2015. Collection method: clinical testing. Allele origin: germline.

KCCC/NGS Laboratory, Kuwait Cancer Control Center
Classification: Likely benign for POLD1-related polyposis and colorectal cancer syndrome. Last evaluated: 2023-07-07. Review status: criteria provided, single submitter. Criteria: ACMG Guidelines, 2015. Collection method: clinical testing. Allele origin: germline. Affected: yes.

GeneDx
Classification: Likely benign. Last evaluated: 2020-12-13. Review status: criteria provided, single submitter. Criteria: GeneDx Variant Classification Process June 2021. Collection method: clinical testing. Allele origin: germline. Affected: yes.

Quest Diagnostics Nichols Institute San Juan Capistrano
Classification: Benign. Last evaluated: 2018-01-26. Review status: criteria provided, single submitter. Criteria: Quest Diagnostics criteria. Collection method: clinical testing. Allele origin: germline.

Ambry Genetics
Classification: Likely benign for Hereditary cancer-predisposing syndrome. Last evaluated: 2015-11-06. Review status: criteria provided, single submitter. Criteria: Ambry Variant Classification Scheme 2023. Collection method: clinical testing. Allele origin: germline.

Breakthrough Genomics
Classification: Likely benign. Review status: criteria provided, single submitter. Criteria: ACMG Guidelines, 2015. Collection method: not provided. Allele origin: germline. Inheritance: Autosomal dominant inheritance. Affected: yes.

PreventionGenetics, part of Exact Sciences
Classification: Likely benign for POLD1-related condition. Last evaluated: 2019-09-06. Review status: no assertion criteria provided. Collection method: clinical testing. Allele origin: germline. Not counted in ClinVar's aggregate classification.
Comment: This variant is classified as likely benign based on ACMG/AMP sequence variant interpretation guidelines (Richards et al. 2015 PMID: 25741868, with internal and published modifications).